The following is an entry in ClinVar:

NM_015046.7(SETX):c.5012G>A (p.Gly1671Asp)

Gene: SETX (senataxin; minus strand). Cytogenetic location: 9q34.13.
Variant type: single nucleotide variant.
Coding change: c.5012G>A on transcript NM_015046.7 (MANE Select); coding-DNA position 5012, G replaced by A.
Protein change: p.Gly1671Asp; replaces glycine 1671 with aspartic acid.
Molecular consequence: missense variant.
Genome position (GRCh38, 1-based): chr9:132,326,586, C>T on the plus strand (G>A on the coding strand, the complement: SETX is on the minus strand). VCF-style: chr9-132326586-C-T. GRCh37 (hg19) VCF-style: chr9-135201973-C-T.
Other names: c.5012G>A, p.Gly1671Asp (NM_001351527.2, NM_001351528.2); c.5012G>A (NM_015046.5); short protein forms G1671D.
Identifiers: ClinVar variation 1576107 (VCV001576107.9), dbSNP rs775112319, ClinGen allele CA5297090.

ClinVar aggregate classification (germline): Conflicting classifications of pathogenicity. Review status: criteria provided, conflicting classifications (1 of 4 stars). 2 submissions from 2 submitters: Uncertain significance (1); Likely benign (1). Last evaluated 2025-09-03.

Conditions:
SETX-related disorder. Also called: SETX-related condition; SETX-related disorders. Identifiers: MedGen CN239403.
Amyotrophic lateral sclerosis type 4 (ALS4). Also called: AMYOTROPHIC LATERAL SCLEROSIS 4, JUVENILE; NEURONOPATHY, DISTAL HEREDITARY MOTOR, WITH PYRAMIDAL FEATURES. Identifiers: Orphanet 357043, MedGen C1865409, MONDO:0011223, OMIM 602433.
Spinocerebellar ataxia, autosomal recessive, with axonal neuropathy 2 (SCAN2). Also called: Ataxia-ocular apraxia-2; Ataxia with Oculomotor Apraxia; ATAXIA-OCULOMOTOR APRAXIA 2; Ataxia with Oculomotor Apraxia Type 2. Identifiers: Orphanet 64753, MedGen C1853761, MONDO:0018996, OMIM 606002.

Allele frequency attached by ClinVar (database versions not stated): TOPMed below 0.00001; gnomAD 0.00004; gnomAD exomes 0.00005 and 0.00011; ExAC 0.00010.
gnomAD v4.1: 82 of 1,614,118 alleles (0.0051%); highest among the groups gnomAD compares: South Asian, 0.089%; no homozygotes.

Submissions (2):

PreventionGenetics, part of Exact Sciences
Classification: Uncertain significance for SETX-related condition. Last evaluated: 2025-09-03. Review status: criteria provided, single submitter. Criteria: ACMG Guidelines, 2015. Collection method: clinical testing. Allele origin: germline.
Comment: The SETX c.5012G>A variant is predicted to result in the amino acid substitution p.Gly1671Asp. To our knowledge, this variant has not been reported in the literature. This variant is reported in 0.088% of alleles in individuals of South Asian descent in gnomAD. Although we suspect that this variant may be benign, at this time, the clinical significance of this variant is uncertain due to the absence of conclusive functional and genetic evidence.

Labcorp Genetics (formerly Invitae), Labcorp
Classification: Likely benign for Amyotrophic lateral sclerosis type 4; Spinocerebellar ataxia, autosomal recessive, with axonal neuropathy 2. Last evaluated: 2021-08-13. Review status: criteria provided, single submitter. Criteria: Invitae Variant Classification Sherloc (09022015). Collection method: clinical testing. Allele origin: germline.